The following is an entry in ClinVar:

ClinVar aggregate classification (germline): Uncertain significance (1 of 4 stars; one submission).

gnomAD v4.1: 5 of 1,614,224 alleles (0.00031%); highest among the groups gnomAD compares: Non-Finnish European, 0.00025%; no homozygotes.

Submission:

GeneDx
Classification: Uncertain significance. Last evaluated: 2026-04-21. Review status: criteria provided, single submitter. Criteria: GeneDx Variant Classification Process June 2021. Collection method: clinical testing. Allele origin: germline.
Comment: Not observed at significant frequency in large population cohorts (gnomAD); In silico analysis supports that this missense variant has a deleterious effect on protein structure/function; Has not been previously published as pathogenic or benign to our knowledge

NM_001111.5(ADAR):c.518A>T (p.Asn173Ile)

Gene: ADAR (adenosine deaminase RNA specific; minus strand). Cytogenetic location: 1q21.3.
Variant type: single nucleotide variant.
Coding change: c.518A>T on transcript NM_001111.5 (MANE Select); coding-DNA position 518, A replaced by T.
Protein change: p.Asn173Ile; replaces asparagine 173 with isoleucine.
Molecular consequence: missense variant. On other transcripts: 5 prime UTR variant (6).
Genome position (GRCh38, 1-based): chr1:154,602,124, T>A on the plus strand (A>T on the coding strand, the complement: ADAR is on the minus strand). VCF-style: chr1-154602124-T-A. GRCh37 (hg19) VCF-style: chr1-154574600-T-A.
Other names: c.-368A>T (NM_001025107.3, NM_001193495.2, NM_001365046.1 and 3 more transcripts); c.545A>T, p.Asn182Ile (NM_001365045.1); c.518A>T, p.Asn173Ile (NM_015840.4, NM_015841.4); short protein forms N173I, N182I.
Identifiers: ClinVar variation 5037456 (VCV005037456.1).